The following is an entry in ClinVar:

NM_000158.4(GBE1):c.1402C>A (p.Arg468Ser)

Gene: GBE1 (1,4-alpha-glucan branching enzyme 1; minus strand). Cytogenetic location: 3p12.2.
Variant type: single nucleotide variant.
Coding change: c.1402C>A on transcript NM_000158.4 (MANE Select); coding-DNA position 1402, C replaced by A.
Protein change: p.Arg468Ser; replaces arginine 468 with serine.
Molecular consequence: missense variant.
Genome position (GRCh38, 1-based): chr3:81,581,209, G>T on the plus strand (C>A on the coding strand, the complement: GBE1 is on the minus strand). VCF-style: chr3-81581209-G-T. GRCh37 (hg19) VCF-style: chr3-81630360-G-T.
Other names: short protein forms R468S.
Identifiers: ClinVar variation 967587 (VCV000967587.1), dbSNP rs776526697, ClinGen allele CA353685035.

ClinVar aggregate classification (germline): Uncertain significance (1 of 4 stars; one submission).

Conditions:
Glycogen storage disease IV, classic hepatic. Also called: GSD IV, CLASSIC HEPATIC. Identifiers: MedGen C1856301.
Glycogen storage disease, type IV (GSD4). Also called: AMYLOPECTINOSIS; ANDERSEN DISEASE; BRANCHER DEFICIENCY; CIRRHOSIS, FAMILIAL, WITH DEPOSITION OF ABNORMAL GLYCOGEN; GBE1 DEFICIENCY; GLYCOGEN BRANCHING ENZYME DEFICIENCY. Identifiers: Orphanet 367, MedGen C0017923, MONDO:0009292, OMIM 232500.

gnomAD v4.1: 1 of 1,605,880 alleles (0.000062%); highest among the groups gnomAD compares: Admixed American, 0.0017%; no homozygotes.

Submission:

Labcorp Genetics (formerly Invitae), Labcorp
Classification: Uncertain significance for Glycogen storage disease, type IV; Glycogen storage disease IV, classic hepatic. Last evaluated: 2019-10-22. Review status: criteria provided, single submitter. Criteria: Invitae Variant Classification Sherloc (09022015). Collection method: clinical testing. Allele origin: germline.
Comment: This sequence change replaces arginine with serine at codon 468 of the GBE1 protein (p.Arg468Ser). The arginine residue is highly conserved and there is a moderate physicochemical difference between arginine and serine. This variant is not present in population databases (ExAC no frequency). This variant has not been reported in the literature in individuals with GBE1-related conditions. Algorithms developed to predict the effect of missense changes on protein structure and function (SIFT, PolyPhen-2, Align-GVGD) all suggest that this variant is likely to be disruptive, but these predictions have not been confirmed by published functional studies and their clinical significance is uncertain. In summary, the available evidence is currently insufficient to determine the role of this variant in disease. Therefore, it has been classified as a Variant of Uncertain Significance.